The following is an entry in ClinVar:

NM_004629.2(FANCG):c.740A>G (p.Gln247Arg)

Gene: FANCG (FA complementation group G; minus strand). Cytogenetic location: 9p13.3.
Variant type: single nucleotide variant.
Coding change: c.740A>G on transcript NM_004629.2 (MANE Select); coding-DNA position 740, A replaced by G.
Protein change: p.Gln247Arg; replaces glutamine 247 with arginine.
Molecular consequence: missense variant.
Genome position (GRCh38, 1-based): chr9:35,077,008, T>C on the plus strand (A>G on the coding strand, the complement: FANCG is on the minus strand). VCF-style: chr9-35077008-T-C. GRCh37 (hg19) VCF-style: chr9-35077005-T-C.
Other names: short protein forms Q247R.
Identifiers: ClinVar variation 4870979 (VCV004870979.1).

ClinVar aggregate classification (germline): Uncertain significance (1 of 4 stars; one submission).

Conditions:
Inborn genetic diseases. Identifiers: MedGen C0950123, MeSH D030342.

Submission:

Ambry Genetics
Classification: Uncertain significance for Inborn genetic diseases. Last evaluated: 2026-03-29. Review status: criteria provided, single submitter. Criteria: Ambry Variant Classification Scheme 2023. Collection method: clinical testing. Allele origin: germline.
Comment: The p.Q247R variant (also known as c.740A>G), located in coding exon 6 of the FANCG gene, results from an A to G substitution at nucleotide position 740. The glutamine at codon 247 is replaced by arginine, an amino acid with highly similar properties. This amino acid position is conserved. In addition, this alteration is predicted to be tolerated by in silico analysis. Based on the available evidence, the clinical significance of this variant remains unclear.